The following is an entry in ClinVar:

ClinVar aggregate classification (germline): Likely benign (1 of 4 stars; one submission).

Allele frequency attached by ClinVar (database versions not stated): gnomAD 0.01443 and 0.01558; 1000 Genomes Project 0.01458; 1000 Genomes Project 30x 0.01562; TOPMed 0.01636.
gnomAD v4.1: 2,178 of 152,272 alleles (1.4%); highest among the groups gnomAD compares: African/African-American, 4.9%; 49 homozygotes.

Submission:

GeneDx
Classification: Likely benign. Last evaluated: 2018-06-14. Review status: criteria provided, single submitter. Criteria: GeneDx Variant Classification (06012015). Collection method: clinical testing. Allele origin: germline. Affected: yes.
Comment: This variant is considered likely benign or benign based on one or more of the following criteria: it is a conservative change, it occurs at a poorly conserved position in the protein, it is predicted to be benign by multiple in silico algorithms, and/or has population frequency not consistent with disease.

NM_005477.3(HCN4):c.1591-237C>T

Gene: HCN4 (hyperpolarization activated cyclic nucleotide gated potassium channel 4; minus strand). Cytogenetic location: 15q24.1.
Variant type: single nucleotide variant.
Coding change: c.1591-237C>T on transcript NM_005477.3 (MANE Select); 237 bases into the intron before coding-DNA position 1591, C replaced by T.
Molecular consequence: intron variant.
Genome position (GRCh38, 1-based): chr15:73,325,681, G>A on the plus strand (C>T on the coding strand, the complement: HCN4 is on the minus strand). VCF-style: chr15-73325681-G-A. GRCh37 (hg19) VCF-style: chr15-73618022-G-A.
Identifiers: ClinVar variation 679634 (VCV000679634.1), dbSNP rs145211410, ClinGen allele CA14179330.